The following is an entry in ClinVar:

NM_005257.6(GATA6):c.1292A>G (p.Gln431Arg)

Gene: GATA6 (GATA binding protein 6; plus strand). Cytogenetic location: 18q11.2.
Variant type: single nucleotide variant.
Coding change: c.1292A>G on transcript NM_005257.6 (MANE Select); coding-DNA position 1292, A replaced by G.
Protein change: p.Gln431Arg; replaces glutamine 431 with arginine.
Molecular consequence: missense variant.
Genome position (GRCh38, 1-based): chr18:22,177,111, A>G. VCF-style: chr18-22177111-A-G. GRCh37 (hg19) VCF-style: chr18-19757072-A-G.
Other names: short protein forms Q431R.
Identifiers: ClinVar variation 4744178 (VCV004744178.1).

ClinVar aggregate classification (germline): Uncertain significance (1 of 4 stars; one submission).

Conditions:
Atrioventricular septal defect 5 (AVSD5). Identifiers: MedGen C3280939, MONDO:0013769, OMIM 614474.

Submission:

Labcorp Genetics (formerly Invitae), Labcorp
Classification: Uncertain significance for Atrioventricular septal defect 5. Last evaluated: 2025-04-24. Review status: criteria provided, single submitter. Criteria: Invitae Variant Classification Sherloc (09022015). Collection method: clinical testing. Allele origin: germline.
Comment: This sequence change replaces glutamine, which is neutral and polar, with arginine, which is basic and polar, at codon 431 of the GATA6 protein (p.Gln431Arg). This variant is not present in population databases (gnomAD no frequency). This variant has not been reported in the literature in individuals affected with GATA6-related conditions. Invitae Evidence Modeling of protein sequence and biophysical properties (such as structural, functional, and spatial information, amino acid conservation, physicochemical variation, residue mobility, and thermodynamic stability) indicates that this missense variant is expected to disrupt GATA6 protein function with a positive predictive value of 80%. In summary, the available evidence is currently insufficient to determine the role of this variant in disease. Therefore, it has been classified as a Variant of Uncertain Significance.